The following is an entry in ClinVar:

ClinVar aggregate classification (germline): Pathogenic (1 of 4 stars; one submission).

Conditions:
Autosomal dominant childhood-onset proximal spinal muscular atrophy with contractures (SMALED2A). Also called: SPINAL MUSCULAR ATROPHY, LOWER EXTREMITY-PREDOMINANT, 2A, CHILDHOOD ONSET, AUTOSOMAL DOMINANT; Spinal muscular atrophy, lower extremity-predominant, 2A, autosomal dominant. Identifiers: Orphanet 363447, Orphanet 363454, MedGen C4747715, MONDO:0014121, OMIM 615290.

Submission:

Labcorp Genetics (formerly Invitae), Labcorp
Classification: Pathogenic for Autosomal dominant childhood-onset proximal spinal muscular atrophy with contractures. Last evaluated: 2025-06-15. Review status: criteria provided, single submitter. Criteria: Invitae Variant Classification Sherloc (09022015). Collection method: clinical testing. Allele origin: germline.
Comment: This sequence change replaces tyrosine, which is neutral and polar, with cysteine, which is neutral and slightly polar, at codon 556 of the BICD2 protein (p.Tyr556Cys). This variant is not present in population databases (gnomAD no frequency). This missense change has been observed in individual(s) with clinical features of BICD2-related conditions (PMID: 29273277, 33820833; internal data). In at least one individual the variant was observed to be de novo. ClinVar contains an entry for this variant (Variation ID: 862389). Invitae Evidence Modeling of protein sequence and biophysical properties (such as structural, functional, and spatial information, amino acid conservation, physicochemical variation, residue mobility, and thermodynamic stability) indicates that this missense variant is not expected to disrupt BICD2 protein function with a negative predictive value of 80%. For these reasons, this variant has been classified as Pathogenic.

Literature cited by the submitters: PubMed 29273277; PubMed 33820833.

NM_001003800.2(BICD2):c.1667A>G (p.Tyr556Cys)

Gene: BICD2 (BICD cargo adaptor 2; minus strand). Cytogenetic location: 9q22.31.
Variant type: single nucleotide variant.
Coding change: c.1667A>G on transcript NM_001003800.2 (MANE Select); coding-DNA position 1667, A replaced by G.
Protein change: p.Tyr556Cys; replaces tyrosine 556 with cysteine.
Molecular consequence: missense variant.
Genome position (GRCh38, 1-based): chr9:92,718,978, T>C on the plus strand (A>G on the coding strand, the complement: BICD2 is on the minus strand). VCF-style: chr9-92718978-T-C. GRCh37 (hg19) VCF-style: chr9-95481260-T-C.
Other names: c.1667A>G, p.Tyr556Cys (NM_015250.4); short protein forms Y556C.
Identifiers: ClinVar variation 862389 (VCV000862389.4), dbSNP rs1587668748, ClinGen allele CA374036430.